The following is an entry in ClinVar:

ClinVar aggregate classification (germline): Uncertain significance (1 of 4 stars; one submission).

Submission:

GeneDx
Classification: Uncertain significance. Last evaluated: 2025-08-16. Review status: criteria provided, single submitter. Criteria: GeneDx Variant Classification Process June 2021. Collection method: clinical testing. Allele origin: germline. Affected: yes.
Comment: Not observed at significant frequency in large population cohorts (gnomAD); In silico analysis supports that this missense variant has a deleterious effect on protein structure/function; Has not been previously published as pathogenic or benign to our knowledge; This variant is associated with the following publications: (PMID: 8486616)

NM_024426.6(WT1):c.266C>A (p.Pro89His)

Genes: WT1 (WT1 transcription factor; minus strand), LOC107982234 (WT1/WT1-AS bi-directional promoter region; plus strand). Cytogenetic location: 11p13.
Variant type: single nucleotide variant.
Coding change: c.266C>A on transcript NM_024426.6 (MANE Select); coding-DNA position 266, C replaced by A.
Protein change: p.Pro89His; replaces proline 89 with histidine.
Molecular consequence: missense variant. On other transcripts: non-coding transcript variant (2).
Genome position (GRCh38, 1-based): chr11:32,435,095, G>T on the plus strand (C>A on the coding strand, the complement: WT1 is on the minus strand). VCF-style: chr11-32435095-G-T. GRCh37 (hg19) VCF-style: chr11-32456641-G-T.
Other names: c.266C>A, p.Pro89His (NM_000378.6, NM_001407044.1, NM_001407045.1 and 6 more transcripts); c.47C>A, p.Pro16His (NM_001429031.1, NM_001429032.1, NM_001429033.1 and 1 more transcripts); short protein forms P89H, P84H, P16H.
Identifiers: ClinVar variation 4795284 (VCV004795284.1).